The following is an entry in ClinVar:

NM_015602.4(TOR1AIP1):c.444G>T (p.Arg148Ser)

Genes: TOR1AIP1 (torsin 1A interacting protein 1; plus strand), LOC112577517 (Sharpr-MPRA regulatory region 13766; plus strand). Cytogenetic location: 1q25.2.
Variant type: single nucleotide variant.
Coding change: c.444G>T on transcript NM_015602.4 (MANE Select); coding-DNA position 444, G replaced by T.
Protein change: p.Arg148Ser; replaces arginine 148 with serine.
Molecular consequence: missense variant.
Genome position (GRCh38, 1-based): chr1:179,882,946, G>T. VCF-style: chr1-179882946-G-T. GRCh37 (hg19) VCF-style: chr1-179852081-G-T.
Other names: c.444G>T, p.Arg148Ser (NM_001267578.2); short protein forms R148S.
Identifiers: ClinVar variation 1903075 (VCV001903075.5), dbSNP rs1470187256, ClinGen allele CA343578372.
Genomic context (GRCh38, chr1:179,882,946, plus strand): 5'-CCGCCTTCAGCAGCAGCACTCAGAGCAGCCTCCGCTACAGCCGTCTCCTGTTATGACCAG[G>T]AGAGGGCTGCGGGACTCTCATTCCTCTGAAGGTGAGGACCGCGGAGGTAACAGTCCCAGC-3'
Protein context (NP_056417.2, residues 138-158): PPLQPSPVMT[Arg148Ser]RGLRDSHSSE

ClinVar aggregate classification (germline): Uncertain significance (1 of 4 stars; one submission).

Conditions:
Autosomal recessive limb-girdle muscular dystrophy type 2Y (MRRSDC). Also called: Muscular dystrophy, limb-girdle, type 2y; Muscular dystrophy, autosomal recessive, with rigid spine and distal joint contractures. Identifiers: Orphanet 424261, MedGen C4511482, MONDO:0014900, OMIM 617072.

Allele frequency attached by ClinVar (database versions not stated): TOPMed 0.00002; gnomAD 0.00005.
gnomAD v4.1: 9 of 1,613,516 alleles (0.00056%); highest among the groups gnomAD compares: Admixed American, 0.015%; no homozygotes.

Submission:

Labcorp Genetics (formerly Invitae), Labcorp
Classification: Uncertain significance for Autosomal recessive limb-girdle muscular dystrophy type 2Y. Last evaluated: 2022-05-27. Review status: criteria provided, single submitter. Criteria: Invitae Variant Classification Sherloc (09022015). Collection method: clinical testing. Allele origin: germline.
Comment: In summary, the available evidence is currently insufficient to determine the role of this variant in disease. Therefore, it has been classified as a Variant of Uncertain Significance. Algorithms developed to predict the effect of missense changes on protein structure and function are either unavailable or do not agree on the potential impact of this missense change (SIFT: "Deleterious"; PolyPhen-2: "Possibly Damaging"; Align-GVGD: "Class C0"). This variant has not been reported in the literature in individuals affected with TOR1AIP1-related conditions. This variant is present in population databases (no rsID available, gnomAD 0.006%). This sequence change replaces arginine, which is basic and polar, with serine, which is neutral and polar, at codon 148 of the TOR1AIP1 protein (p.Arg148Ser).